The following is an entry in ClinVar:

ClinVar aggregate classification (germline): Uncertain significance (1 of 4 stars; one submission).

Submission:

GeneDx
Classification: Uncertain significance. Last evaluated: 2014-11-17. Review status: criteria provided, single submitter. Criteria: GeneDx Variant Classification (06012015). Collection method: clinical testing. Allele origin: germline. Affected: yes.
Comment: Missense variants in the TTN gene are considered 'unclassified' if they are not previously reported in the literature and do not have >1% frequency in the population to be considered a polymorphism. Research indicates that truncating mutations in the TTN gene are expected to account for approximately 25% of familial and 18% of sporadic idiopathic DCM; however, truncating variants in the TTN gene have been reported in approximately 3% of reported control alleles. There has been little investigation into non-truncating variants. (Herman D et al. Truncations of titin causing dilated cardiomyopathy. N Eng J Med 366:619-628, 2012) The variant is found in CARDIOMYOPATHY panel(s).

NM_001267550.2(TTN):c.73823C>T (p.Ala24608Val)

Genes: TTN (titin; minus strand), TTN-AS1 (TTN antisense RNA 1; plus strand). Cytogenetic location: 2q31.2.
Variant type: single nucleotide variant.
Coding change: c.73823C>T on transcript NM_001267550.2 (MANE Select); coding-DNA position 73823, C replaced by T.
Protein change: p.Ala24608Val; replaces alanine 24608 with valine.
Molecular consequence: missense variant.
Genome position (GRCh38, 1-based): chr2:178,572,309, G>A on the plus strand (C>T on the coding strand, the complement: TTN is on the minus strand). VCF-style: chr2-178572309-G-A. GRCh37 (hg19) VCF-style: chr2-179437036-G-A.
Other names: p.A22967V:GCA>GTA; c.68900C>T, p.Ala22967Val (NM_001256850.1); c.46628C>T, p.Ala15543Val (NM_003319.4); c.66119C>T, p.Ala22040Val (NM_133378.4); c.47003C>T, p.Ala15668Val (NM_133432.3); c.47204C>T, p.Ala15735Val (NM_133437.4); short protein forms A22967V, A24608V, A15543V, A22040V, A15668V, A15735V.
Identifiers: ClinVar variation 202851 (VCV000202851.2), dbSNP rs794729493, ClinGen allele CA310481.